The following is an entry in ClinVar:

ClinVar aggregate classification (germline): Pathogenic. Review status: criteria provided, multiple submitters, no conflicts (2 of 4 stars). 2 submissions from 2 submitters: Pathogenic (2). Last evaluated 2023-11-25.

Conditions:
Episodic ataxia type 2 (EA2). Also called: ATAXIA, EPISODIC, WITH NYSTAGMUS; ATAXIA, FAMILIAL PAROXYSMAL; ACETAZOLAMIDE-RESPONSIVE HEREDITARY PAROXYSMAL CEREBELLAR ATAXIA; CEREBELLAR ATAXIA, PAROXYSMAL, ACETAZOLAMIDE-RESPONSIVE; CEREBELLOPATHY, HEREDITARY PAROXYSMAL; EPISODIC ATAXIA, NYSTAGMUS-ASSOCIATED. Identifiers: Orphanet 97, MedGen C1720416, MONDO:0007163, OMIM 108500.
Spinocerebellar ataxia type 6 (SCA6). Identifiers: Orphanet 98758, MedGen C0752124, MONDO:0008457, OMIM 183086.
Migraine, familial hemiplegic, 1. Also called: MIGRAINE, FAMILIAL HEMIPLEGIC 1, WITH PROGRESSIVE CEREBELLAR ATAXIA. Identifiers: Orphanet 569, MedGen C1832884, MONDO:0020756, OMIM 141500, MONDO:0007714.
Developmental and epileptic encephalopathy, 52 (DEE52). Also called: Epileptic encephalopathy, early infantile, 52. Identifiers: MedGen C4479236, MONDO:0033361, OMIM 617350.

gnomAD v4.1: 1 of 1,613,836 alleles (0.000062%); highest among the groups gnomAD compares: Non-Finnish European, 0.000085%; no homozygotes.

Submissions (2):

GeneDx
Classification: Pathogenic. Last evaluated: 2023-11-25. Review status: criteria provided, single submitter. Criteria: GeneDx Variant Classification Process June 2021. Collection method: clinical testing. Allele origin: germline. Affected: yes.
Comment: Identified in three individuals from one family with episodic ataxia; reported as R1785X due to use of alternate nomenclature (PMID: 14718690); Nonsense variant predicted to result in protein truncation or nonsense mediated decay in a gene for which loss of function is a known mechanism of disease; Not observed at significant frequency in large population cohorts (gnomAD); This variant is associated with the following publications: (PMID: 25525159, 34775063, 35722745, 14718690, 34806130)

Wendy Chung Laboratory, Boston Children's Hospital
Classification: Pathogenic for Developmental and epileptic encephalopathy, 52; Episodic ataxia type 2; Migraine, familial hemiplegic, 1; Spinocerebellar ataxia type 6. Last evaluated: 2022-03-20. Review status: criteria provided, single submitter. Criteria: ACMG Guidelines, 2015. Collection method: clinical testing. Allele origin: paternal. Affected: yes.

NM_001127222.2(CACNA1A):c.5335C>T (p.Arg1779Ter)

Gene: CACNA1A (calcium voltage-gated channel subunit alpha1 A; minus strand). Cytogenetic location: 19p13.13.
Variant type: single nucleotide variant.
Coding change: c.5335C>T on transcript NM_001127222.2 (MANE Select); coding-DNA position 5335, C replaced by T.
Protein change: p.Arg1779Ter; replaces arginine 1779 with a stop codon.
Molecular consequence: nonsense.
Genome position (GRCh38, 1-based): chr19:13,231,775, G>A on the plus strand (C>T on the coding strand, the complement: CACNA1A is on the minus strand). VCF-style: chr19-13231775-G-A. GRCh37 (hg19) VCF-style: chr19-13342589-G-A.
Other names: c.5353C>T, p.Arg1785Ter (NM_000068.4, NM_023035.3); c.5338C>T, p.Arg1780Ter (NM_001127221.2); c.5344C>T, p.Arg1782Ter (NM_001174080.2); short protein forms R1779*, R1780*, R1782*, R1785*.
Identifiers: ClinVar variation 1338921 (VCV001338921.4), dbSNP rs2144629622, ClinGen allele CA404334539.